The following is an entry in ClinVar:

ClinVar aggregate classification (germline): Uncertain significance (1 of 4 stars; one submission).

Conditions:
Cardiovascular phenotype. Identifiers: MedGen CN230736.

Submission:

Ambry Genetics
Classification: Uncertain significance for Cardiovascular phenotype. Last evaluated: 2024-08-20. Review status: criteria provided, single submitter. Criteria: Ambry Variant Classification Scheme 2023. Collection method: clinical testing. Allele origin: germline.
Comment: The p.A655T variant (also known as c.1963G>A), located in coding exon 29 of the COL1A1 gene, results from a G to A substitution at nucleotide position 1963. The alanine at codon 655 is replaced by threonine, an amino acid with similar properties. This amino acid position is not well conserved in available vertebrate species. In addition, this alteration is predicted to be tolerated by in silico analysis. Based on the available evidence, the clinical significance of this variant remains unclear.

NM_000088.4(COL1A1):c.1963G>A (p.Ala655Thr)

Gene: COL1A1 (collagen type I alpha 1 chain; minus strand). Cytogenetic location: 17q21.33.
Variant type: single nucleotide variant.
Coding change: c.1963G>A on transcript NM_000088.4 (MANE Select); coding-DNA position 1963, G replaced by A.
Protein change: p.Ala655Thr; replaces alanine 655 with threonine.
Molecular consequence: missense variant.
Genome position (GRCh38, 1-based): chr17:50,192,495, C>T on the plus strand (G>A on the coding strand, the complement: COL1A1 is on the minus strand). VCF-style: chr17-50192495-C-T. GRCh37 (hg19) VCF-style: chr17-48269856-C-T.
Other names: short protein forms A655T.
Identifiers: ClinVar variation 3495206 (VCV003495206.1).